The following is an entry in ClinVar:

ClinVar aggregate classification (germline): Likely benign. Review status: criteria provided, multiple submitters, no conflicts (2 of 4 stars). 3 submissions from 3 submitters: Likely benign (3). Last evaluated 2026-08-01.

Allele frequency attached by ClinVar (database versions not stated): gnomAD 0.00002; TOPMed 0.00002; ExAC 0.00003; gnomAD exomes 0.00007.
gnomAD v4.1: 53 of 1,613,644 alleles (0.0033%); highest among the groups gnomAD compares: Admixed American, 0.022%; no homozygotes.

Submissions (3):

CeGaT Center for Human Genetics Tuebingen
Classification: Likely benign. Last evaluated: 2026-08-01. Review status: criteria provided, single submitter. Criteria: CeGaT Center For Human Genetics Tuebingen Variant Classification Criteria Version 2. Collection method: clinical testing. Allele origin: germline. Affected: yes. Observed: 1 variant allele.
Comment: MFF: BP4, BP7

Labcorp Genetics (formerly Invitae), Labcorp
Classification: Likely benign. Last evaluated: 2025-11-23. Review status: criteria provided, single submitter. Criteria: Invitae Variant Classification Sherloc (09022015). Collection method: clinical testing. Allele origin: germline.

GeneDx
Classification: Likely benign. Last evaluated: 2019-03-27. Review status: criteria provided, single submitter. Criteria: GeneDx Variant Classification Process June 2021. Collection method: clinical testing. Allele origin: germline. Affected: yes.

NM_001277062.2(MFF):c.253C>T (p.Leu85=)

Gene: MFF (mitochondrial fission factor; plus strand). Cytogenetic location: 2q36.3.
Variant type: single nucleotide variant.
Coding change: c.253C>T on transcript NM_001277062.2 (MANE Select); coding-DNA position 253, C replaced by T.
Protein change: p.Leu85=; no amino-acid change (leucine 85 retained).
Molecular consequence: synonymous variant. On other transcripts: non-coding transcript variant (1).
Genome position (GRCh38, 1-based): chr2:227,332,490, C>T. VCF-style: chr2-227332490-C-T. GRCh37 (hg19) VCF-style: chr2-228197206-C-T.
Other names: c.331C>T, p.Leu111= (NM_001277061.2, NM_020194.5); c.253C>T, p.Leu85= (NM_001277063.2, NM_001277064.2, NM_001277065.2 and 2 more transcripts); c.103C>T, p.Leu35= (NM_001277067.1).
Identifiers: ClinVar variation 509660 (VCV000509660.12), dbSNP rs781439237, ClinGen allele CA2147854.
Genomic context (GRCh38, chr2:227,332,490, plus strand): 5'-GATGTTTCATTTTCAAGACCAGCAGATCTTGACCTTATTCAGTCAACTCCCTTTAAACCC[C>T]TGGCACTGAAAACACCACCTCGTGTACTTACGCTGAGTGAAAGACCACTAGATTTTCTGG-3'
Protein context (NP_001263991.1, residues 75-95): DLIQSTPFKP[Leu85=]ALKTPPRVLT